The following is an entry in ClinVar:

ClinVar aggregate classification (germline): Uncertain significance. Review status: criteria provided, multiple submitters, no conflicts (2 of 4 stars). 3 submissions from 3 submitters: Uncertain significance (3). Last evaluated 2025-10-18.

Conditions:
Nephronophthisis 14 (NPHP14). Identifiers: Orphanet 2318, MedGen C3539071, MONDO:0013916, OMIM 614844.
Chronic kidney disease. Identifiers: MedGen C1561643, MONDO:0005300, HP:0012622.

Allele frequency attached by ClinVar (database versions not stated): ExAC 0.00004; gnomAD 0.00004; TOPMed 0.00005.
gnomAD v4.1: 101 of 1,613,792 alleles (0.0063%); highest among the groups gnomAD compares: Admixed American, 0.023%; 1 homozygote.

Submissions (3):

Labcorp Genetics (formerly Invitae), Labcorp
Classification: Uncertain significance for Nephronophthisis 14. Last evaluated: 2025-10-18. Review status: criteria provided, single submitter. Criteria: Invitae Variant Classification Sherloc (09022015). Collection method: clinical testing. Allele origin: germline.
Comment: This sequence change replaces arginine, which is basic and polar, with cysteine, which is neutral and slightly polar, at codon 751 of the ZNF423 protein (p.Arg751Cys). This variant is present in population databases (rs757246232, gnomAD 0.03%), including at least one homozygous and/or hemizygous individual. This missense change has been observed in individual(s) with membranoproliferative glomerulonephritis (PMID: 32723786). ClinVar contains an entry for this variant (Variation ID: 645949). Invitae Evidence Modeling of protein sequence and biophysical properties (such as structural, functional, and spatial information, amino acid conservation, physicochemical variation, residue mobility, and thermodynamic stability) indicates that this missense variant is not expected to disrupt ZNF423 protein function with a negative predictive value of 80%. In summary, the available evidence is currently insufficient to determine the role of this variant in disease. Therefore, it has been classified as a Variant of Uncertain Significance.

Blueprint Genetics
Classification: Uncertain significance. Last evaluated: 2022-07-12. Review status: criteria provided, single submitter. Criteria: ACMG Guidelines, 2015. Collection method: clinical testing. Allele origin: germline.

Cavalleri Lab, Royal College of Surgeons in Ireland
Classification: Uncertain significance for Chronic kidney disease. Last evaluated: 2020-05-28. Review status: criteria provided, single submitter. Criteria: ACMG Guidelines, 2015. Collection method: research. Allele origin: unknown. Inheritance: Autosomal dominant inheritance. Affected: yes.
Comment: PP2, PP3

Literature cited by the submitters: PubMed 32723786 (cited by Labcorp Genetics (formerly Invitae), Labcorp).

NM_001379286.1(ZNF423):c.2275C>T (p.Arg759Cys)

Gene: ZNF423 (zinc finger protein 423; minus strand). Cytogenetic location: 16q12.1.
Variant type: single nucleotide variant.
Coding change: c.2275C>T on transcript NM_001379286.1 (MANE Select); coding-DNA position 2275, C replaced by T.
Protein change: p.Arg759Cys; replaces arginine 759 with cysteine.
Molecular consequence: missense variant.
Genome position (GRCh38, 1-based): chr16:49,636,901, G>A on the plus strand (C>T on the coding strand, the complement: ZNF423 is on the minus strand). VCF-style: chr16-49636901-G-A. GRCh37 (hg19) VCF-style: chr16-49670812-G-A.
Other names: c.2071C>T, p.Arg691Cys (NM_001271620.2); c.1900C>T, p.Arg634Cys (NM_001330533.2); c.2251C>T, p.Arg751Cys (NM_015069.5); short protein forms R634C, R691C, R751C, R759C.
Identifiers: ClinVar variation 645949 (VCV000645949.11), dbSNP rs757246232, ClinGen allele CA8046539.